The following is an entry in ClinVar:

ClinVar aggregate classification (germline): Uncertain significance (1 of 4 stars; one submission).

gnomAD v4.1: 7 of 1,553,360 alleles (0.00045%); highest among the groups gnomAD compares: African/African-American, 0.0014%; no homozygotes.

Submission:

GeneDx
Classification: Uncertain significance. Last evaluated: 2024-07-17. Review status: criteria provided, single submitter. Criteria: GeneDx Variant Classification Process June 2021. Collection method: clinical testing. Allele origin: germline. Affected: yes.
Comment: Not observed at significant frequency in large population cohorts (gnomAD); In silico analysis indicates that this missense variant does not alter protein structure/function; Has not been previously published as pathogenic or benign to our knowledge

NM_015100.4(POGZ):c.2575G>A (p.Gly859Ser)

Gene: POGZ (pogo transposable element derived with ZNF domain; minus strand). Cytogenetic location: 1q21.3.
Variant type: single nucleotide variant.
Coding change: c.2575G>A on transcript NM_015100.4 (MANE Select); coding-DNA position 2575, G replaced by A.
Protein change: p.Gly859Ser; replaces glycine 859 with serine.
Molecular consequence: missense variant.
Genome position (GRCh38, 1-based): chr1:151,406,460, C>T on the plus strand (G>A on the coding strand, the complement: POGZ is on the minus strand). VCF-style: chr1-151406460-C-T. GRCh37 (hg19) VCF-style: chr1-151378936-C-T.
Other names: c.2548G>A, p.Gly850Ser (NM_001194937.2); c.2389G>A, p.Gly797Ser (NM_001194938.2); c.2596G>A, p.Gly866Ser (NM_001410860.1); c.2290G>A, p.Gly764Ser (NM_145796.4); c.2416G>A, p.Gly806Ser (NM_207171.2); short protein forms G764S, G797S, G806S, G850S, G859S, G866S.
Identifiers: ClinVar variation 3573811 (VCV003573811.1).
Genomic context (GRCh38, chr1:151,406,460, plus strand): 5'-AGGAAGGAGGAGGGTACATATTCTTCACGTTCCGGTCATGCACTCGGTCACGAGTCTGGC[C>T]ATGCCTAAAGGGGTGAGGAGCAAAGAGAAGAGGAGAAATCTCAGTTCAACTAGGAAATTG-3'
Protein context (NP_055915.2, residues 849-869): GLTWIAHSRH[Gly859Ser]QTRDRVHDRN